The following is an entry in ClinVar:

ClinVar aggregate classification (germline): Conflicting classifications of pathogenicity. Review status: criteria provided, conflicting classifications (1 of 4 stars). 3 submissions from 3 submitters: Uncertain significance (2); Likely benign (1). Last evaluated 2025-11-10.

Conditions:
Inborn genetic diseases. Identifiers: MedGen C0950123, MeSH D030342.

Allele frequency attached by ClinVar (database versions not stated): ExAC 0.00009; gnomAD 0.00038; TOPMed 0.00043; ESP Exome Variant Server 0.00046.
gnomAD v4.1: 109 of 1,613,928 alleles (0.0068%); highest among the groups gnomAD compares: African/African-American, 0.13%; no homozygotes.

Submissions (3):

Labcorp Genetics (formerly Invitae), Labcorp
Classification: Uncertain significance. Last evaluated: 2025-11-10. Review status: criteria provided, single submitter. Criteria: Invitae Variant Classification Sherloc (09022015). Collection method: clinical testing. Allele origin: germline.
Comment: This sequence change replaces aspartic acid, which is acidic and polar, with glutamic acid, which is acidic and polar, at codon 311 of the FGB protein (p.Asp311Glu). This variant is present in population databases (rs151153332, gnomAD 0.1%). This variant has not been reported in the literature in individuals affected with FGB-related conditions. ClinVar contains an entry for this variant (Variation ID: 2682872). An algorithm developed to predict the effect of missense changes on protein structure and function outputs the following: PolyPhen-2: "Benign". The glutamic acid amino acid residue is found in multiple mammalian species, which suggests that this missense change does not adversely affect protein function. In summary, the available evidence is currently insufficient to determine the role of this variant in disease. Therefore, it has been classified as a Variant of Uncertain Significance.

Ambry Genetics
Classification: Likely benign for Inborn genetic diseases. Last evaluated: 2023-10-13. Review status: criteria provided, single submitter. Criteria: Ambry Variant Classification Scheme 2023. Collection method: clinical testing. Allele origin: germline.

Mayo Clinic Laboratories, Mayo Clinic
Classification: Uncertain significance. Last evaluated: 2023-01-04. Review status: criteria provided, single submitter. Criteria: ACMG Guidelines, 2015. Collection method: clinical testing. Allele origin: germline. Observed: 1 variant allele.
Comment: BP4, PM1

NM_005141.5(FGB):c.933T>G (p.Asp311Glu)

Gene: FGB (fibrinogen beta chain; plus strand). Cytogenetic location: 4q31.3.
Variant type: single nucleotide variant.
Coding change: c.933T>G on transcript NM_005141.5 (MANE Select); coding-DNA position 933, T replaced by G.
Protein change: p.Asp311Glu; replaces aspartic acid 311 with glutamic acid.
Molecular consequence: missense variant. On other transcripts: intron variant (1).
Genome position (GRCh38, 1-based): chr4:154,569,282, T>G. VCF-style: chr4-154569282-T-G. GRCh37 (hg19) VCF-style: chr4-155490434-T-G.
Other names: p.Asp311Glu; c.756T>G, p.Asp252Glu (NM_001184741.1); c.801T>G, p.Asp267Glu (NM_001382759.1); c.933T>G, p.Asp311Glu (NM_001382760.1, NM_001382761.1, NM_001382764.1 and 1 more transcripts); c.924T>G, p.Asp308Glu (NM_001382763.1); c.746-319T>G (NM_001382762.1); short protein forms D252E, D267E, D308E, D311E.
Identifiers: ClinVar variation 2682872 (VCV002682872.4), dbSNP rs151153332, ClinGen allele CA3114671.